The following is an entry in ClinVar:

ClinVar aggregate classification (germline): Pathogenic (1 of 4 stars; one submission).

Conditions:
Ehlers-Danlos syndrome, dermatosparaxis type. Also called: EDS VIIC; Dermatosparaxis; Ehlers-Danlos syndrome, type VII, autosomal recessive. Identifiers: Orphanet 1901, MedGen C2700425, MONDO:0009161, OMIM 225410.

Submission:

Myriad Genetics, Inc.
Classification: Pathogenic for Ehlers-Danlos syndrome, dermatosparaxis type. Last evaluated: 2024-05-14. Review status: criteria provided, single submitter. Criteria: Myriad Autosomal Dominant, Autosomal Recessive and X-Linked Classification Criteria (2023). Collection method: clinical testing. Allele origin: unknown.
Comment: NM_014244.4(ADAMTS2):c.94_95insT(P32Lfs*34) is expected to be pathogenic in the context of Ehlers-Danlos syndrome, ADAMTS2-related. This variant is predicted to lead to an abnormal or absent protein product due to the creation of a premature termination codon in ADAMTS2, a gene where loss-of-function variants are known to be pathogenic. Please note: this variant was assessed in the context of healthy population screening.

NM_014244.5(ADAMTS2):c.94_95insT (p.Pro32fs)

Gene: ADAMTS2 (ADAM metallopeptidase with thrombospondin type 1 motif 2; minus strand). Cytogenetic location: 5q35.3.
Variant type: Insertion.
Coding change: c.94_95insT on transcript NM_014244.5 (MANE Select); coding-DNA positions 94 to 95, T inserted.
Protein change: p.Pro32fs; shifts the reading frame from proline 32.
Molecular consequence: frameshift variant.
Genome position: GRCh38 VCF-style: chr5-179345234-G-GA. GRCh37 (hg19) VCF-style: chr5-178772235-G-GA.
Other names: c.94_95insT, p.Pro32fs (NM_021599.4); short protein forms P32fs.
Identifiers: ClinVar variation 5010638 (VCV005010638.1).